The following is an entry in ClinVar:

NM_000057.4(BLM):c.1550G>T (p.Ser517Ile)

Gene: BLM (BLM RecQ like helicase; plus strand). Cytogenetic location: 15q26.1.
Variant type: single nucleotide variant.
Coding change: c.1550G>T on transcript NM_000057.4 (MANE Select); coding-DNA position 1550, G replaced by T.
Protein change: p.Ser517Ile; replaces serine 517 with isoleucine.
Molecular consequence: missense variant.
Genome position (GRCh38, 1-based): chr15:90,760,923, G>T. VCF-style: chr15-90760923-G-T. GRCh37 (hg19) VCF-style: chr15-91304153-G-T.
Other names: c.1550G>T, p.Ser517Ile (NM_001287246.2, NM_001287247.2); c.425G>T, p.Ser142Ile (NM_001287248.2); short protein forms S517I, S142I.
Identifiers: ClinVar variation 4824946 (VCV004824946.1).
Genomic context (GRCh38, chr15:90,760,923, plus strand): 5'-AGAAGTCCTTTGTAAGTAGCAACTGGGCTGAAACACCAAGACTAGGAAAAAAAAATGAAA[G>T]CTCTTATTTCCCAGGAAATGTTCTCACAAGCACTGCTGTGAAAGATCAGAATAAACATAC-3'
Protein context (NP_000048.1, residues 507-527): ETPRLGKKNE[Ser517Ile]SYFPGNVLTS

ClinVar aggregate classification (germline): Uncertain significance (1 of 4 stars; one submission).

Conditions:
Hereditary cancer-predisposing syndrome. Also called: Neoplastic Syndromes, Hereditary; Tumor predisposition; Hereditary Cancer Syndrome; Hereditary neoplastic syndrome. Identifiers: Orphanet 140162, MedGen C0027672, MeSH D009386, MONDO:0015356.

Submission:

Ambry Genetics
Classification: Uncertain significance for Hereditary cancer-predisposing syndrome. Last evaluated: 2026-02-22. Review status: criteria provided, single submitter. Criteria: Ambry Variant Classification Scheme 2023. Collection method: clinical testing. Allele origin: germline.
Comment: The p.S517I variant (also known as c.1550G>T), located in coding exon 6 of the BLM gene, results from a G to T substitution at nucleotide position 1550. The serine at codon 517 is replaced by isoleucine, an amino acid with dissimilar properties. This amino acid position is conserved. In addition, this alteration is predicted to be tolerated by in silico analysis. Based on the available evidence, the clinical significance of this variant remains unclear.